The following is an entry in ClinVar:

ClinVar aggregate classification (germline): Conflicting classifications of pathogenicity. Review status: criteria provided, conflicting classifications (1 of 4 stars). 7 submissions from 7 submitters: Pathogenic (3); Likely pathogenic (3); Uncertain significance (1). Last evaluated 2025-12-03.

Conditions:
RAD50-related disorder. Also called: RAD50-related condition.
Hereditary cancer-predisposing syndrome. Also called: Neoplastic Syndromes, Hereditary; Tumor predisposition; Hereditary Cancer Syndrome; Hereditary neoplastic syndrome. Identifiers: Orphanet 140162, MedGen C0027672, MeSH D009386, MONDO:0015356.
Nijmegen breakage syndrome-like disorder (NBSLD). Also called: MICROCEPHALY AND SPONTANEOUS CHROMOSOME INSTABILITY WITHOUT IMMUNODEFICIENCY; NBS-LIKE DISORDER; RAD50 DEFICIENCY. Identifiers: Orphanet 240760, MedGen C2751318, MONDO:0013118, OMIM 613078.

Allele frequency attached by ClinVar (database versions not stated): gnomAD 0.00001; gnomAD exomes 0.00001; TOPMed 0.00002; ESP Exome Variant Server 0.00008.

Submissions (7):

Labcorp Genetics (formerly Invitae), Labcorp
Classification: Pathogenic for Hereditary cancer-predisposing syndrome. Last evaluated: 2025-12-03. Review status: criteria provided, single submitter. Criteria: Invitae Variant Classification Sherloc (09022015). Collection method: clinical testing. Allele origin: germline.
Comment: This sequence change creates a premature translational stop signal (p.Thr32Asnfs*16) in the RAD50 gene. It is expected to result in an absent or disrupted protein product. Loss-of-function variants in RAD50 are known to be pathogenic (PMID: 19409520). This variant is present in population databases (rs587781625, gnomAD 0.004%). This variant has not been reported in the literature in individuals affected with RAD50-related conditions. ClinVar contains an entry for this variant (Variation ID: 141279). For these reasons, this variant has been classified as Pathogenic.

Quest Diagnostics Nichols Institute San Juan Capistrano
Classification: Likely pathogenic. Last evaluated: 2024-07-31. Review status: criteria provided, single submitter. Criteria: Quest Diagnostics criteria. Collection method: clinical testing. Allele origin: unknown.
Comment: The RAD50 c.94dup (p.Thr32Asnfs*16) variant alters the translational reading frame of the RAD50 mRNA and is predicted to cause the premature termination of RAD50 protein synthesis. This variant has not been reported in individuals with RAD50-related conditions in the published literature. The frequency of this variant in the general population, 0.000023 (3/128982 chromosomes (Genome Aggregation Database)), is consistent with pathogenicity. Based on the available information, this variant is classified as likely pathogenic.

Baylor Genetics
Classification: Likely pathogenic for Nijmegen breakage syndrome-like disorder. Last evaluated: 2023-09-06. Review status: criteria provided, single submitter. Criteria: ACMG Guidelines, 2015. Collection method: clinical testing. Allele origin: unknown.

PreventionGenetics, part of Exact Sciences
Classification: Likely pathogenic for RAD50-related condition. Last evaluated: 2023-07-20. Review status: criteria provided, single submitter. Criteria: ACMG Guidelines, 2015. Collection method: clinical testing. Allele origin: germline.
Comment: The RAD50 c.94dupA variant is predicted to result in a frameshift and premature protein termination (p.Thr32Asnfs*16). This variant has been reported in large population studies and carrier testing screens, where the phenotype of individuals is not known (LaDuca et al. 2017. PubMed ID: 28152038; Capalbo et al. 2019. PubMed ID: 31589614). This variant is reported in 0.0040% of alleles in individuals of African descent in gnomAD. Frameshift variants in RAD50 are expected to be pathogenic and this variant has been classified as pathogenic in ClinVar. This variant is interpreted as likely pathogenic.

Fulgent Genetics
Classification: Pathogenic for Nijmegen breakage syndrome-like disorder. Last evaluated: 2022-05-17. Review status: criteria provided, single submitter. Criteria: ACMG Guidelines, 2015. Collection method: clinical testing. Allele origin: unknown.

GeneDx
Classification: Uncertain significance. Last evaluated: 2020-02-13. Review status: criteria provided, single submitter. Criteria: GeneDx Variant Classification Process June 2021. Collection method: clinical testing. Allele origin: germline. Affected: yes.
Comment: Frameshift variant predicted to result in protein truncation or nonsense mediated decay in a gene for which loss-of-function is not a known mechanism of disease; This variant is associated with the following publications: (PMID: 28152038, 31589614)

Ambry Genetics
Classification: Pathogenic for Hereditary cancer-predisposing syndrome. Last evaluated: 2013-09-17. Review status: criteria provided, single submitter. Criteria: Ambry Autosomal Dominant and X-Linked criteria (10/2015). Collection method: clinical testing. Allele origin: germline. Observed: 1 variant allele.
Comment: The c.94dupA pathogenic mutation, located in coding exon 1 of the RAD50 gene, results from a duplication of one nucleotide at position 94, causing a translational frameshift with a predicted alternate stop codon. Since frameshifts are typically deleterious in nature, this alteration is interpreted as a disease-causing mutation (ACMG Recommendations for Standards for Interpretation and Reporting of Sequence Variations. Revision 2007. Genet Med. 2008;10:294).

Literature cited by the submitters: PubMed 19409520 (cited by Labcorp Genetics (formerly Invitae), Labcorp); PubMed 31589614 (cited by Quest Diagnostics Nichols Institute San Juan Capistrano); PubMed 28152038 (cited by Quest Diagnostics Nichols Institute San Juan Capistrano).

NM_005732.4(RAD50):c.94dup (p.Thr32fs)

Gene: RAD50 (RAD50 double strand break repair protein; plus strand). Cytogenetic location: 5q31.1.
Variant type: Duplication.
Coding change: c.94dup on transcript NM_005732.4 (MANE Select); coding-DNA position 94, one base duplicated (A; older notation c.94dupA).
Protein change: p.Thr32fs; shifts the reading frame from threonine 32.
Molecular consequence: frameshift variant.
Genome position (GRCh38, 1-based): chr5:132,557,418, A duplicated. VCF-style (leftmost placement, unchanged base first): chr5-132557417-T-TA. GRCh37 (hg19) VCF-style: chr5-131893109-T-TA.
Other names: c.94dup (NM_005732.3); short protein forms T32fs.
Identifiers: ClinVar variation 141279 (VCV000141279.18), dbSNP rs587781625, ClinGen allele CA333204.